The following is an entry in ClinVar:

ClinVar aggregate classification (germline): Uncertain significance (1 of 4 stars; one submission).

Conditions:
Cornelia de Lange syndrome 4 (CDLS4). Also called: RAD21-Related Cornelia de Lange Syndrome; CORNELIA DE LANGE SYNDROME 4 WITH OR WITHOUT MIDLINE BRAIN DEFECTS. Identifiers: Orphanet 199, MedGen C3553517, MONDO:0013864, OMIM 614701.

gnomAD v4.1: 2 of 1,613,798 alleles (0.00012%); highest among the groups gnomAD compares: African/African-American, 0.0027%; no homozygotes.

Submission:

Labcorp Genetics (formerly Invitae), Labcorp
Classification: Uncertain significance for Cornelia de Lange syndrome 4. Last evaluated: 2025-01-08. Review status: criteria provided, single submitter. Criteria: Invitae Variant Classification Sherloc (09022015). Collection method: clinical testing. Allele origin: germline.
Comment: This sequence change replaces leucine, which is neutral and non-polar, with isoleucine, which is neutral and non-polar, at codon 582 of the RAD21 protein (p.Leu582Ile). This variant is present in population databases (rs745723061, gnomAD 0.008%). This variant has not been reported in the literature in individuals affected with RAD21-related conditions. Invitae Evidence Modeling of protein sequence and biophysical properties (such as structural, functional, and spatial information, amino acid conservation, physicochemical variation, residue mobility, and thermodynamic stability) has been performed for this missense variant. However, the output from this modeling did not meet the statistical confidence thresholds required to predict the impact of this variant on RAD21 protein function. In summary, the available evidence is currently insufficient to determine the role of this variant in disease. Therefore, it has been classified as a Variant of Uncertain Significance.

NM_006265.3(RAD21):c.1744C>A (p.Leu582Ile)

Gene: RAD21 (RAD21 cohesin complex component; minus strand). Cytogenetic location: 8q24.11.
Variant type: single nucleotide variant.
Coding change: c.1744C>A on transcript NM_006265.3 (MANE Select); coding-DNA position 1744, C replaced by A.
Protein change: p.Leu582Ile; replaces leucine 582 with isoleucine.
Molecular consequence: missense variant.
Genome position (GRCh38, 1-based): chr8:116,847,652, G>T on the plus strand (C>A on the coding strand, the complement: RAD21 is on the minus strand). VCF-style: chr8-116847652-G-T. GRCh37 (hg19) VCF-style: chr8-117859891-G-T.
Other names: short protein forms L582I.
Identifiers: ClinVar variation 3720881 (VCV003720881.2).